The following is an entry in ClinVar:

ClinVar aggregate classification (germline): Uncertain significance (1 of 4 stars; one submission).

Allele frequency attached by ClinVar (database versions not stated): gnomAD exomes below 0.00001.
gnomAD v4.1: 1 of 1,614,206 alleles (0.000062%); highest among the groups gnomAD compares: Non-Finnish European, 0.000085%; no homozygotes.

Submission:

Ambry Genetics
Classification: Uncertain significance. Last evaluated: 2023-06-21. Review status: criteria provided, single submitter. Criteria: Ambry Variant Classification Scheme 2023. Collection method: clinical testing. Allele origin: germline.
Comment: The p.L137W variant (also known as c.410T>G), located in coding exon 6 of the NPAT gene, results from a T to G substitution at nucleotide position 410. The leucine at codon 137 is replaced by tryptophan, an amino acid with similar properties. This amino acid position is conserved. In addition, this alteration is predicted to be tolerated by in silico analysis. Since supporting evidence is limited at this time, the clinical significance of this alteration remains unclear.

NM_002519.3(NPAT):c.410T>G (p.Leu137Trp)

Gene: NPAT (nuclear protein, coactivator of histone transcription; minus strand). Cytogenetic location: 11q22.3.
Variant type: single nucleotide variant.
Coding change: c.410T>G on transcript NM_002519.3 (MANE Select); coding-DNA position 410, T replaced by G.
Protein change: p.Leu137Trp; replaces leucine 137 with tryptophan.
Molecular consequence: missense variant.
Genome position (GRCh38, 1-based): chr11:108,189,252, A>C on the plus strand (T>G on the coding strand, the complement: NPAT is on the minus strand). VCF-style: chr11-108189252-A-C. GRCh37 (hg19) VCF-style: chr11-108059979-A-C.
Other names: c.410T>G, p.Leu137Trp (NM_001321307.1); short protein forms L137W.
Identifiers: ClinVar variation 2587650 (VCV002587650.2), dbSNP rs2496745756, ClinGen allele CA382524995.